The following is an entry in ClinVar:

NM_173076.3(ABCA12):c.5152_5153del (p.Arg1718fs)

Gene: ABCA12 (ATP binding cassette subfamily A member 12; minus strand). Cytogenetic location: 2q35.
Variant type: Microsatellite.
Coding change: c.5152_5153del on transcript NM_173076.3 (MANE Select); coding-DNA positions 5152 to 5153, 2 bases deleted (AG; older notation c.5152_5153delAG).
Protein change: p.Arg1718fs; shifts the reading frame from arginine 1718.
Molecular consequence: frameshift variant. On other transcripts: non-coding transcript variant (1).
Genome position (GRCh38, 1-based): chr2:214,976,013-214,976,014, CT deleted on the plus strand (AG on the coding strand, the reverse complement: ABCA12 is on the minus strand); deleting any 2 consecutive bases within chr2:214,976,013-214,976,019 gives the same sequence; the c. name uses the placement nearest the transcript's 3' end. VCF-style (leftmost placement, unchanged base first): chr2-214976012-CCT-C. GRCh37 (hg19) VCF-style: chr2-215840736-CCT-C.
Other names: c.4198_4199del, p.Arg1400fs (NM_015657.4); short protein forms R1400fs, R1718fs.
Identifiers: ClinVar variation 818038 (VCV000818038.1), dbSNP rs1574955196, ClinGen allele CA915941731.

ClinVar aggregate classification (germline): Likely pathogenic (1 of 4 stars; one submission).

Submission:

GeneDx
Classification: Likely pathogenic. Last evaluated: 2019-02-20. Review status: criteria provided, single submitter. Criteria: GeneDx Variant Classification (06012015). Collection method: clinical testing. Allele origin: germline. Affected: yes.
Comment: The c.5152_5153delAG pathogenic variant in the ABCA12 gene has not been reported previously as a pathogenic variant, nor as a benign variant, to our knowledge. The c.5152_5153delAG variant causes a frameshift starting with codon Arginine 1718, changes this amino acid to an Alanine residue, and creates a premature Stop codon at position 77 of the new reading frame, denoted p.Arg1718AlafsX77. This variant is predicted to cause loss of normal protein function either through protein truncation or nonsense-mediated mRNA decay. The c.5152_5153delAG variant is not observed in large population cohorts (Lek et al., 2016). We interpret c.5152_5153delAG as a likely pathogenic variant.